The following is an entry in ClinVar:

NM_001972.4(ELANE):c.658C>G (p.Arg220Gly)

Gene: ELANE (elastase, neutrophil expressed; plus strand). Cytogenetic location: 19p13.3.
Variant type: single nucleotide variant.
Coding change: c.658C>G on transcript NM_001972.4 (MANE Select); coding-DNA position 658, C replaced by G.
Protein change: p.Arg220Gly; replaces arginine 220 with glycine.
Molecular consequence: missense variant.
Genome position (GRCh38, 1-based): chr19:856,018, C>G. VCF-style: chr19-856018-C-G. GRCh37 (hg19) VCF-style: chr19-856018-C-G.
Other names: short protein forms R220G.
Identifiers: ClinVar variation 4794156 (VCV004794156.1).

ClinVar aggregate classification (germline): Uncertain significance (1 of 4 stars; one submission).

Conditions:
Cyclical neutropenia. Also called: Cyclic Neutropenia; Cyclic hematopoiesis. Identifiers: Orphanet 2686, MedGen C0221023, MONDO:0008090, OMIM 162800, HP:0040289. Disease mechanism: loss of function.
Neutropenia, severe congenital, 1, autosomal dominant. Identifiers: MedGen C1859966, MONDO:0042490, OMIM 202700.

Submission:

Labcorp Genetics (formerly Invitae), Labcorp
Classification: Uncertain significance for Neutropenia, severe congenital, 1, autosomal dominant; Cyclical neutropenia. Last evaluated: 2025-11-25. Review status: criteria provided, single submitter. Criteria: Invitae Variant Classification Sherloc (09022015). Collection method: clinical testing. Allele origin: germline.
Comment: This sequence change replaces arginine, which is basic and polar, with glycine, which is neutral and non-polar, at codon 220 of the ELANE protein (p.Arg220Gly). This variant is not present in population databases (gnomAD no frequency). This variant has not been reported in the literature in individuals affected with ELANE-related conditions. Invitae Evidence Modeling of protein sequence and biophysical properties (such as structural, functional, and spatial information, amino acid conservation, physicochemical variation, residue mobility, and thermodynamic stability) has been performed for this missense variant. However, the output from this modeling did not meet the statistical confidence thresholds required to predict the impact of this variant on ELANE protein function. This variant disrupts the p.Arg220 amino acid residue in ELANE. Other variant(s) that disrupt this residue have been determined to be pathogenic (PMID: 10581030, 16079102, 25703294). This suggests that this residue is clinically significant, and that variants that disrupt this residue are likely to be disease-causing. In summary, the available evidence is currently insufficient to determine the role of this variant in disease. Therefore, it has been classified as a Variant of Uncertain Significance.

Literature cited by the submitters: PubMed 10581030; PubMed 16079102; PubMed 25703294.